The following is an entry in ClinVar:

NM_001754.5(RUNX1):c.1401G>A (p.Ala467=)

Gene: RUNX1 (RUNX family transcription factor 1; minus strand). Cytogenetic location: 21q22.12.
Variant type: single nucleotide variant.
Coding change: c.1401G>A on transcript NM_001754.5 (MANE Select); coding-DNA position 1401, G replaced by A.
Protein change: p.Ala467=; no amino-acid change (alanine 467 retained).
Molecular consequence: synonymous variant.
Genome position (GRCh38, 1-based): chr21:34,792,177, C>T on the plus strand (G>A on the coding strand, the complement: RUNX1 is on the minus strand). VCF-style: chr21-34792177-C-T. GRCh37 (hg19) VCF-style: chr21-36164474-C-T.
Other names: NM_001754.5(RUNX1):c.1401G>A; p.Ala467=; c.1320G>A, p.Ala440= (NM_001001890.3).
Identifiers: ClinVar variation 701705 (VCV000701705.12), dbSNP rs754338287, ClinGen allele CA10014175.

ClinVar aggregate classification (germline): Likely benign. Review status: reviewed by expert panel (3 of 4 stars). 3 submissions from 3 submitters: Likely benign (1). 2 of the submissions do not count toward it. Last evaluated 2024-07-11.

Conditions:
Hereditary thrombocytopenia and hematological cancer predisposition syndrome associated with RUNX1. Also called: RUNX1 Familial Platelet Disorder with Associated Myeloid Malignancies; Familial Platelet Disorder with Propensity to Acute Myelogenous Leukemia; PLATELET DISORDER, ASPIRIN-LIKE; Familial thrombocytopenia with propensity to acute myelogenous leukemia. Identifiers: Orphanet 71290, MedGen C1832388, MeSH C563324, MONDO:0100083, OMIM 601399.
Hereditary thrombocytopenia and hematologic cancer predisposition syndrome. Identifiers: Orphanet 71290, MedGen CN281654, MONDO:0011071.
Inborn genetic diseases. Identifiers: MedGen C0950123, MeSH D030342.

Allele frequency attached by ClinVar (database versions not stated): gnomAD exomes below 0.00001; TOPMed 0.00005; gnomAD 0.00007 and 0.00008; ExAC 0.00019.
gnomAD v4.1: 14 of 1,529,764 alleles (0.00092%); highest among the groups gnomAD compares: African/African-American, 0.019%; no homozygotes.

Submissions (3):

ClinGen Myeloid Malignancy Variant Curation Expert Panel
Classification: Likely benign for Hereditary thrombocytopenia and hematologic cancer predisposition syndrome. Last evaluated: 2024-07-11. Review status: reviewed by expert panel. Criteria: ClinGen MyeloMalig ACMG Specifications v2. Collection method: curation. Allele origin: germline. Inheritance: Autosomal dominant inheritance.
Comment: NM_001754.5(RUNX1): c.1401G>A (p.Ala467=) is a synonymous variant which has a minor allele frequency (MAF) of 0.0002416 (0.02416%, 10/41392 alleles) in the African/African American population of gnomAD v3.1.2 cohort, between 0.00015 (0.015%) and 0.0015 (0.15%) (BS1). It has a SpliceAI score of 0.00 (BP4). Evolutionary conservation algorithms predict the site as not being conserved (PhyloP score -0.503315 < 2.0) (BP7). In summary, this variant meets criteria to be classified as likely benign. ACMG/AMP criteria, as specified by the Myeloid Malignancy Variant Curation Expert Panel for RUNX1: BS1, BP4, BP7.

Labcorp Genetics (formerly Invitae), Labcorp
Classification: Likely benign for Hereditary thrombocytopenia and hematological cancer predisposition syndrome associated with RUNX1. Last evaluated: 2025-07-17. Review status: criteria provided, single submitter. Criteria: Invitae Variant Classification Sherloc (09022015). Collection method: clinical testing. Allele origin: germline. Not counted in ClinVar's aggregate classification.

Ambry Genetics
Classification: Likely benign for Inborn genetic diseases. Last evaluated: 2024-11-22. Review status: criteria provided, single submitter. Criteria: Ambry Variant Classification Scheme 2023. Collection method: clinical testing. Allele origin: germline. Not counted in ClinVar's aggregate classification.